The following is an entry in ClinVar:

NM_004655.4(AXIN2):c.2526C>G (p.Ile842Met)

Gene: AXIN2 (axin 2; minus strand). Cytogenetic location: 17q24.1.
Variant type: single nucleotide variant.
Coding change: c.2526C>G on transcript NM_004655.4 (MANE Select); coding-DNA position 2526, C replaced by G.
Protein change: p.Ile842Met; replaces isoleucine 842 with methionine.
Molecular consequence: missense variant.
Genome position (GRCh38, 1-based): chr17:65,529,982, G>C on the plus strand (C>G on the coding strand, the complement: AXIN2 is on the minus strand). VCF-style: chr17-65529982-G-C. GRCh37 (hg19) VCF-style: chr17-63526100-G-C.
Other names: c.2331C>G, p.Ile777Met (NM_001363813.1); short protein forms I777M, I842M.
Identifiers: ClinVar variation 1792590 (VCV001792590.2), dbSNP rs1468245462, ClinGen allele CA400674721.

ClinVar aggregate classification (germline): Uncertain significance (1 of 4 stars; one submission).

Conditions:
Hereditary cancer-predisposing syndrome. Also called: Hereditary Cancer Syndrome; Hereditary neoplastic syndrome; Tumor predisposition; Neoplastic Syndromes, Hereditary. Identifiers: Orphanet 140162, MedGen C0027672, MeSH D009386, MONDO:0015356.

Submission:

Ambry Genetics
Classification: Uncertain significance for Hereditary cancer-predisposing syndrome. Last evaluated: 2021-03-15. Review status: criteria provided, single submitter. Criteria: Ambry Variant Classification Scheme 2023. Collection method: clinical testing. Allele origin: germline.
Comment: The p.I842M variant (also known as c.2526C>G), located in coding exon 10 of the AXIN2 gene, results from a C to G substitution at nucleotide position 2526. The isoleucine at codon 842 is replaced by methionine, an amino acid with highly similar properties. This amino acid position is not well conserved in available vertebrate species. In addition, this alteration is predicted to be tolerated by in silico analysis. Since supporting evidence is limited at this time, the clinical significance of this alteration remains unclear.